The following is an entry in ClinVar:

ClinVar aggregate classification (germline): Benign. Review status: criteria provided, multiple submitters, no conflicts (2 of 4 stars). 2 submissions from 2 submitters: Benign (2). Last evaluated 2018-06-19.

Allele frequency attached by ClinVar (database versions not stated): 1000 Genomes Project 0.05851; gnomAD 0.06110 and 0.06407; 1000 Genomes Project 30x 0.06184; TOPMed 0.06392.
gnomAD v4.1: 34,033 of 1,061,300 alleles (3.2%); highest among the groups gnomAD compares: African/African-American, 15%; 1,068 homozygotes.

Submissions (2):

GeneDx
Classification: Benign. Last evaluated: 2018-06-19. Review status: criteria provided, single submitter. Criteria: GeneDx Variant Classification (06012015). Collection method: clinical testing. Allele origin: germline. Affected: yes.
Comment: This variant is considered likely benign or benign based on one or more of the following criteria: it is a conservative change, it occurs at a poorly conserved position in the protein, it is predicted to be benign by multiple in silico algorithms, and/or has population frequency not consistent with disease.

Breakthrough Genomics
Classification: Benign. Review status: criteria provided, single submitter. Criteria: ACMG Guidelines, 2015. Collection method: not provided. Allele origin: germline. Inheritance: Autosomal recessive inheritance. Affected: yes.

NM_001130987.2(DYSF):c.3958-79C>T

Gene: DYSF (dysferlin; plus strand). Cytogenetic location: 2p13.2.
Variant type: single nucleotide variant.
Coding change: c.3958-79C>T on transcript NM_001130987.2 (MANE Select); 79 bases into the intron before coding-DNA position 3958, C replaced by T.
Molecular consequence: intron variant.
Genome position (GRCh38, 1-based): chr2:71,611,166, C>T. VCF-style: chr2-71611166-C-T. GRCh37 (hg19) VCF-style: chr2-71838296-C-T.
Other names: c.3997-79C>T (NM_001130979.2); c.3955-79C>T (NM_001130981.2, NM_001130980.2); c.3904-79C>T (NM_001130978.2, NM_003494.4); c.3862-79C>T (NM_001130977.2, NM_001130976.2); c.4000-79C>T (NM_001130982.2); c.3958-79C>T (NM_001130985.2); c.3907-79C>T (NM_001130983.2, NM_001130455.2); c.3865-79C>T (NM_001130984.2, NM_001130986.2).
Identifiers: ClinVar variation 670488 (VCV000670488.2), dbSNP rs67190543, ClinGen allele CA49778422.